The following is an entry in ClinVar:

ClinVar aggregate classification (germline): Uncertain significance. Review status: criteria provided, multiple submitters, no conflicts (2 of 4 stars). 3 submissions from 3 submitters: Uncertain significance (3). Last evaluated 2024-07-12.

Conditions:
Hereditary diffuse leukoencephalopathy with spheroids. Also called: LEUKOENCEPHALOPATHY, ADULT-ONSET, WITH AXONAL SPHEROIDS AND PIGMENTED GLIA. Identifiers: Orphanet 313808, MedGen C3711381, MONDO:0030796.

Allele frequency attached by ClinVar (database versions not stated): gnomAD exomes 0.00002 and 0.00004; TOPMed 0.00002.
gnomAD v4.1: 58 of 1,613,694 alleles (0.0036%); highest among the groups gnomAD compares: Non-Finnish European, 0.0042%; no homozygotes.

Submissions (3):

Labcorp Genetics (formerly Invitae), Labcorp
Classification: Uncertain significance. Last evaluated: 2024-07-12. Review status: criteria provided, single submitter. Criteria: Invitae Variant Classification Sherloc (09022015). Collection method: clinical testing. Allele origin: germline.
Comment: This sequence change replaces arginine, which is basic and polar, with histidine, which is basic and polar, at codon 150 of the CSF1R protein (p.Arg150His). This variant is present in population databases (no rsID available, gnomAD 0.003%). This variant has not been reported in the literature in individuals affected with CSF1R-related conditions. ClinVar contains an entry for this variant (Variation ID: 493419). Advanced modeling of protein sequence and biophysical properties (such as structural, functional, and spatial information, amino acid conservation, physicochemical variation, residue mobility, and thermodynamic stability) performed at Invitae indicates that this missense variant is not expected to disrupt CSF1R protein function with a negative predictive value of 95%. In summary, the available evidence is currently insufficient to determine the role of this variant in disease. Therefore, it has been classified as a Variant of Uncertain Significance.

Illumina Laboratory Services, Illumina
Classification: Uncertain significance for Leukoencephalopathy, diffuse hereditary, with spheroids 1. Last evaluated: 2018-01-12. Review status: criteria provided, single submitter. Criteria: ICSL Variant Classification Criteria 13 December 2019. Collection method: clinical testing. Allele origin: germline.

CeGaT Center for Human Genetics Tuebingen
Classification: Uncertain significance. Last evaluated: 2017-08-01. Review status: criteria provided, single submitter. Criteria: CeGaT Center For Human Genetics Tuebingen Variant Classification Criteria Version 2. Collection method: clinical testing. Allele origin: germline. Affected: yes. Observed: 1 variant allele.

NM_001288705.3(CSF1R):c.449G>A (p.Arg150His)

Gene: CSF1R (colony stimulating factor 1 receptor; minus strand). Cytogenetic location: 5q32.
Variant type: single nucleotide variant.
Coding change: c.449G>A on transcript NM_001288705.3 (MANE Select); coding-DNA position 449, G replaced by A.
Protein change: p.Arg150His; replaces arginine 150 with histidine.
Molecular consequence: missense variant. On other transcripts: non-coding transcript variant (2).
Genome position (GRCh38, 1-based): chr5:150,080,195, C>T on the plus strand (G>A on the coding strand, the complement: CSF1R is on the minus strand). VCF-style: chr5-150080195-C-T. GRCh37 (hg19) VCF-style: chr5-149459758-C-T.
Other names: c.449G>A, p.Arg150His (NM_001349736.2, NM_001375320.1, NM_005211.4); c.5G>A, p.Arg2His (NM_001375321.1); short protein forms R150H, R2H.
Identifiers: ClinVar variation 493419 (VCV000493419.52), dbSNP rs1029057991, ClinGen allele CA129077583.